The following is an entry in ClinVar:

NM_000465.4(BARD1):c.1450A>T (p.Lys484Ter)

Gene: BARD1 (BRCA1 associated RING domain 1; minus strand). Cytogenetic location: 2q35.
Variant type: single nucleotide variant.
Coding change: c.1450A>T on transcript NM_000465.4 (MANE Select); coding-DNA position 1450, A replaced by T.
Protein change: p.Lys484Ter; replaces lysine 484 with a stop codon.
Molecular consequence: nonsense. On other transcripts: non-coding transcript variant (3), intron variant (3).
Genome position (GRCh38, 1-based): chr2:214,767,600, T>A on the plus strand (A>T on the coding strand, the complement: BARD1 is on the minus strand). VCF-style: chr2-214767600-T-A. GRCh37 (hg19) VCF-style: chr2-215632324-T-A.
Other names: c.1393A>T, p.Lys465Ter (NM_001282543.2); c.159-15045A>T (NM_001282548.2); c.216-15045A>T (NM_001282545.2); c.364+24697A>T (NM_001282549.2); short protein forms K465*, K484*.
Identifiers: ClinVar variation 1366276 (VCV001366276.7), dbSNP rs1694273552, ClinGen allele CA350448518.

ClinVar aggregate classification (germline): Pathogenic (1 of 4 stars; one submission).

Conditions:
Familial cancer of breast. Also called: BREAST CANCER, FAMILIAL; Hereditary breast cancer; hereditary breast carcinoma. Identifiers: Orphanet 227535, MedGen C0346153, MONDO:0016419, OMIM 114480. Disease mechanism: loss of function.

Submission:

Labcorp Genetics (formerly Invitae), Labcorp
Classification: Pathogenic for Familial cancer of breast. Last evaluated: 2021-08-17. Review status: criteria provided, single submitter. Criteria: Invitae Variant Classification Sherloc (09022015). Collection method: clinical testing. Allele origin: germline.
Comment: This sequence change creates a premature translational stop signal (p.Lys484*) in the BARD1 gene. It is expected to result in an absent or disrupted protein product. Loss-of-function variants in BARD1 are known to be pathogenic (PMID: 20077502, 21344236). This variant is not present in population databases (ExAC no frequency). This variant has not been reported in the literature in individuals affected with BARD1-related conditions. For these reasons, this variant has been classified as Pathogenic.

Literature cited by the submitters: PubMed 20077502; PubMed 21344236.